The following is an entry in ClinVar:

NM_004937.3(CTNS):c.356G>A (p.Arg119His)

Genes: CTNS-AS1 (CTNS antisense RNA 1; minus strand), CTNS (cystinosin, lysosomal cystine transporter; plus strand). Cytogenetic location: 17p13.2.
Variant type: single nucleotide variant.
Coding change: c.356G>A on transcript NM_004937.3 (MANE Select); coding-DNA position 356, G replaced by A.
Protein change: p.Arg119His; replaces arginine 119 with histidine.
Molecular consequence: missense variant. On other transcripts: 5 prime UTR variant (4).
Genome position (GRCh38, 1-based): chr17:3,655,247, G>A. VCF-style: chr17-3655247-G-A. GRCh37 (hg19) VCF-style: chr17-3558541-G-A.
Other names: c.356G>A, p.Arg119His (NM_001031681.3, NM_001374492.1); c.-86G>A (NM_001374493.1, NM_001374494.1, NM_001374495.1 and 1 more transcripts); short protein forms R119H.
Identifiers: ClinVar variation 198524 (VCV000198524.22), dbSNP rs375970075, ClinGen allele CA203485.

ClinVar aggregate classification (germline): Benign. Review status: criteria provided, multiple submitters, no conflicts (2 of 4 stars). 5 submissions from 4 submitters: Benign (4). 1 of the submissions does not count toward it. Last evaluated 2026-02-01.

Conditions:
Ocular cystinosis. Also called: Non-Nephropathic (Ocular) Cystinosis; Non-Nephropathic Cystinosis. Identifiers: Orphanet 213, Orphanet 411641, MedGen C2931013, MONDO:0009064, OMIM 219750.
Juvenile nephropathic cystinosis. Also called: Later-Onset (Juvenile) Cystinosis; Intermediate Cystinosis; CYSTINOSIS, LATE-ONSET JUVENILE OR ADOLESCENT NEPHROPATHIC TYPE. Identifiers: Orphanet 213, Orphanet 411634, MedGen C0268626, MONDO:0009066, OMIM 219900.
Inborn genetic diseases. Identifiers: MedGen C0950123, MeSH D030342.
Cystinosis. Also called: Cystine diathesis; Cystine storage disease; Cystinoses. Identifiers: Orphanet 213, MedGen C4316899, MONDO:0016239.
Nephropathic cystinosis (CTNS). Also called: CYSTINOSIN, DEFECT OF; LYSOSOMAL CYSTINE TRANSPORT PROTEIN, DEFECT OF; Abderhalden Lignac Kaufmann disease; Abderhalden-Kaufmann-Lignac syndrome. Identifiers: Orphanet 213, Orphanet 411629, MedGen C2931187, MONDO:0100151, OMIM 219800.

Allele frequency attached by ClinVar (database versions not stated): ESP Exome Variant Server 0.00008; gnomAD 0.00008 and 0.00087; TOPMed 0.00020; gnomAD exomes 0.00292; 1000 Genomes Project 0.00339; ExAC 0.00342; 1000 Genomes Project 30x 0.00375.

Submissions (5):

Labcorp Genetics (formerly Invitae), Labcorp
Classification: Benign for Inborn genetic diseases; Ocular cystinosis; Juvenile nephropathic cystinosis. Last evaluated: 2026-02-01. Review status: criteria provided, single submitter. Criteria: Invitae Variant Classification Sherloc (09022015). Collection method: clinical testing. Allele origin: germline.

Illumina Laboratory Services, Illumina
Classification: Benign for Ocular cystinosis. Last evaluated: 2018-01-12. Review status: criteria provided, single submitter. Criteria: ICSL Variant Classification Criteria 13 December 2019. Collection method: clinical testing. Allele origin: germline.
Comment: This variant was observed in the ICSL laboratory as part of a predisposition screen in an ostensibly healthy population. It had not been previously curated by ICSL or reported in the Human Gene Mutation Database (HGMD: prior to June 1st, 2018), and was therefore a candidate for classification through an automated scoring system. Utilizing variant allele frequency, disease prevalence and penetrance estimates, and inheritance mode, an automated score was calculated to assess if this variant is too frequent to cause the disease. Based on the score and internal cut-off values, a variant classified as benign is not then subjected to further curation. The score for this variant resulted in a classification of benign for this disease.

Illumina Laboratory Services, Illumina
Classification: Benign for Nephropathic cystinosis. Last evaluated: 2018-01-12. Review status: criteria provided, single submitter. Criteria: ICSL Variant Classification Criteria 13 December 2019. Collection method: clinical testing. Allele origin: germline.
Comment: the same text as in the submission from Illumina Laboratory Services, Illumina above.

Eurofins Ntd Llc (ga)
Classification: Benign. Last evaluated: 2015-04-15. Review status: criteria provided, single submitter. Criteria: EGL Classification Definitions 2015. Collection method: clinical testing. Allele origin: germline. Observed: 2 variant alleles, 2 heterozygotes.

Natera, Inc.
Classification: Benign for Cystinosis. Last evaluated: 2020-09-16. Review status: no assertion criteria provided. Collection method: clinical testing. Allele origin: germline. Not counted in ClinVar's aggregate classification.